The following is an entry in ClinVar:

NM_001040108.2(MLH3):c.2827C>A (p.Gln943Lys)

Gene: MLH3 (mutL homolog 3; minus strand). Cytogenetic location: 14q24.3.
Variant type: single nucleotide variant.
Coding change: c.2827C>A on transcript NM_001040108.2 (MANE Select); coding-DNA position 2827, C replaced by A.
Protein change: p.Gln943Lys; replaces glutamine 943 with lysine.
Molecular consequence: missense variant.
Genome position (GRCh38, 1-based): chr14:75,046,829, G>T on the plus strand (C>A on the coding strand, the complement: MLH3 is on the minus strand). VCF-style: chr14-75046829-G-T. GRCh37 (hg19) VCF-style: chr14-75513532-G-T.
Other names: c.2827C>A, p.Gln943Lys (NM_014381.3); short protein forms Q943K.
Identifiers: ClinVar variation 1796508 (VCV001796508.3), dbSNP rs1299684707, ClinGen allele CA390438249.
Genomic context (GRCh38, chr14:75,046,829, plus strand): 5'-AGTTCTCTGTTGTATTGCTGTTAGAATGTGTTTTACTATTTTTATTAAAGGAATTATCCT[G>T]TGTGGCAGAATCTGATGTTGGGATGACACCATTCTCTGTTTTTTCATGCTTGTTGTTAAA-3'
Protein context (NP_001035197.1, residues 933-953): GVIPTSDSAT[Gln943Lys]DNSFNKNSKT

ClinVar aggregate classification (germline): Uncertain significance (1 of 4 stars; one submission).

Submission:

Ambry Genetics
Classification: Uncertain significance. Last evaluated: 2024-09-30. Review status: criteria provided, single submitter. Criteria: Ambry Variant Classification Scheme 2023. Collection method: clinical testing. Allele origin: germline.
Comment: The p.Q943K variant (also known as c.2827C>A), located in coding exon 1 of the MLH3 gene, results from a C to A substitution at nucleotide position 2827. The glutamine at codon 943 is replaced by lysine, an amino acid with similar properties. This amino acid position is not well conserved in available vertebrate species. In addition, this alteration is predicted to be tolerated by in silico analysis. Since supporting evidence is limited at this time, the clinical significance of this alteration remains unclear.